The following is an entry in ClinVar:

ClinVar aggregate classification (germline): Uncertain significance (1 of 4 stars; one submission).

Conditions:
Cardiovascular phenotype. Identifiers: MedGen CN230736.
Hereditary cancer-predisposing syndrome. Also called: Tumor predisposition; Hereditary neoplastic syndrome; Hereditary Cancer Syndrome; Neoplastic Syndromes, Hereditary. Identifiers: Orphanet 140162, MedGen C0027672, MeSH D009386, MONDO:0015356.

Submission:

Ambry Genetics
Classification: Uncertain significance for Cardiovascular phenotype; Hereditary cancer-predisposing syndrome. Last evaluated: 2025-03-17. Review status: criteria provided, single submitter. Criteria: Ambry Variant Classification Scheme 2023. Collection method: clinical testing. Allele origin: germline.
Comment: The p.R107S variant (also known as c.321G>C) is located in coding exon 4 of the LZTR1 gene. The arginine at codon 107 is replaced by serine, an amino acid with dissimilar properties. This change occurs in the first base pair of coding exon 4. This amino acid position is highly conserved in available vertebrate species. In addition, the in silico prediction for this alteration is inconclusive. Based on the available evidence, the clinical significance of this variant remains unclear.

NM_006767.4(LZTR1):c.321G>C (p.Arg107Ser)

Gene: LZTR1 (leucine zipper like post translational regulator 1; plus strand). Cytogenetic location: 22q11.21.
Variant type: single nucleotide variant.
Coding change: c.321G>C on transcript NM_006767.4 (MANE Select); coding-DNA position 321, G replaced by C.
Protein change: p.Arg107Ser; replaces arginine 107 with serine.
Molecular consequence: missense variant.
Genome position (GRCh38, 1-based): chr22:20,987,504, G>C. VCF-style: chr22-20987504-G-C. GRCh37 (hg19) VCF-style: chr22-21341793-G-C.
Other names: short protein forms R107S.
Identifiers: ClinVar variation 3965648 (VCV003965648.1).